The following is an entry in ClinVar:

ClinVar aggregate classification (germline): Uncertain significance (1 of 4 stars; one submission).

Submission:

Labcorp Genetics (formerly Invitae), Labcorp
Classification: Uncertain significance. Last evaluated: 2024-01-15. Review status: criteria provided, single submitter. Criteria: Invitae Variant Classification Sherloc (09022015). Collection method: clinical testing. Allele origin: germline.
Comment: This sequence change falls in intron 5 of the NTHL1 gene. It does not directly change the encoded amino acid sequence of the NTHL1 protein. It affects a nucleotide within the consensus splice site. This variant is not present in population databases (gnomAD no frequency). This variant has not been reported in the literature in individuals affected with NTHL1-related conditions. Variants that disrupt the consensus splice site are a relatively common cause of aberrant splicing (PMID: 17576681, 9536098). Algorithms developed to predict the effect of sequence changes on RNA splicing suggest that this variant is not likely to affect RNA splicing. In summary, the available evidence is currently insufficient to determine the role of this variant in disease. Therefore, it has been classified as a Variant of Uncertain Significance.

Literature cited by the submitters: PubMed 17576681; PubMed 9536098.

NM_002528.7(NTHL1):c.791+4T>C

Gene: NTHL1 (nth like DNA glycosylase 1; minus strand). Cytogenetic location: 16p13.3.
Variant type: single nucleotide variant.
Coding change: c.791+4T>C on transcript NM_002528.7 (MANE Select); 4 bases into the intron after coding-DNA position 791, T replaced by C.
Molecular consequence: intron variant.
Genome position (GRCh38, 1-based): chr16:2,040,129, A>G on the plus strand (T>C on the coding strand, the complement: NTHL1 is on the minus strand). VCF-style: chr16-2040129-A-G. GRCh37 (hg19) VCF-style: chr16-2090130-A-G.
Other names: c.461+4T>C (NM_001318194.2); c.620+4T>C (NM_001318193.2).
Identifiers: ClinVar variation 2709312 (VCV002709312.3), dbSNP rs2548311754, ClinGen allele CA2697549528.